The following is an entry in ClinVar:

NM_005219.5(DIAPH1):c.1894T>C (p.Ser632Pro)

Gene: DIAPH1 (diaphanous related formin 1; minus strand). Cytogenetic location: 5q31.3.
Variant type: single nucleotide variant.
Coding change: c.1894T>C on transcript NM_005219.5 (MANE Select); coding-DNA position 1894, T replaced by C.
Protein change: p.Ser632Pro; replaces serine 632 with proline.
Molecular consequence: missense variant.
Genome position (GRCh38, 1-based): chr5:141,573,956, A>G on the plus strand (T>C on the coding strand, the complement: DIAPH1 is on the minus strand). VCF-style: chr5-141573956-A-G. GRCh37 (hg19) VCF-style: chr5-140953523-A-G.
Other names: c.1867T>C, p.Ser623Pro (NM_001079812.3); c.1894T>C, p.Ser632Pro (NM_001314007.2); short protein forms S623P, S632P.
Identifiers: ClinVar variation 1920995 (VCV001920995.5), dbSNP rs370316406, ClinGen allele CA128437244.

ClinVar aggregate classification (germline): Uncertain significance (1 of 4 stars; one submission).

Conditions:
Progressive microcephaly-seizures-cortical blindness-developmental delay syndrome. Also called: Seizures, cortical blindness, and microcephaly syndrome. Identifiers: Orphanet 477814, MedGen C5567650, MONDO:0014714, OMIM 616632.
Autosomal dominant nonsyndromic hearing loss 1. Also called: KONIGSMARK SYNDROME; DEAFNESS, AUTOSOMAL DOMINANT 1, WITH OR WITHOUT THROMBOCYTOPENIA. Identifiers: Orphanet 90635, MedGen C1852282, MONDO:0007424, OMIM 124900.

Allele frequency attached by ClinVar (database versions not stated): gnomAD 0.00001; ESP Exome Variant Server 0.00008.

Submission:

Labcorp Genetics (formerly Invitae), Labcorp
Classification: Uncertain significance for Progressive microcephaly-seizures-cortical blindness-developmental delay syndrome; Autosomal dominant nonsyndromic hearing loss 1. Last evaluated: 2022-08-03. Review status: criteria provided, single submitter. Criteria: Invitae Variant Classification Sherloc (09022015). Collection method: clinical testing. Allele origin: germline.
Comment: This variant has not been reported in the literature in individuals affected with DIAPH1-related conditions. This variant is not present in population databases (gnomAD no frequency). This sequence change replaces serine, which is neutral and polar, with proline, which is neutral and non-polar, at codon 632 of the DIAPH1 protein (p.Ser632Pro). In summary, the available evidence is currently insufficient to determine the role of this variant in disease. Therefore, it has been classified as a Variant of Uncertain Significance. Algorithms developed to predict the effect of missense changes on protein structure and function output the following: SIFT: "Tolerated"; PolyPhen-2: "Not Available"; Align-GVGD: "Class C0". The proline amino acid residue is found in multiple mammalian species, which suggests that this missense change does not adversely affect protein function.